The following is an entry in ClinVar:

ClinVar aggregate classification (germline): Pathogenic (1 of 4 stars; one submission).

Conditions:
Familial adenomatous polyposis 1 (FAP1). Also called: FAMILIAL ADENOMATOUS POLYPOSIS 1, ATTENUATED; POLYPOSIS, ADENOMATOUS INTESTINAL. Identifiers: MedGen C2713442, MONDO:0021056, OMIM 175100. Disease mechanism: loss of function.

Submission:

Myriad Genetics, Inc.
Classification: Pathogenic for Familial adenomatous polyposis 1. Last evaluated: 2023-05-11. Review status: criteria provided, single submitter. Criteria: Myriad Autosomal Dominant, Autosomal Recessive and X-Linked Classification Criteria (2023). Collection method: clinical testing. Allele origin: unknown.
Comment: This variant is considered pathogenic. This variant creates a frameshift predicted to result in premature protein truncation.

NM_000038.6(APC):c.4528del (p.Ser1510fs)

Gene: APC (APC regulator of Wnt signaling pathway; plus strand). Cytogenetic location: 5q22.2.
Variant type: Deletion.
Coding change: c.4528del on transcript NM_000038.6 (MANE Select); coding-DNA position 4528, one base deleted (A; older notation c.4528delA).
Protein change: p.Ser1510fs; shifts the reading frame from serine 1510.
Molecular consequence: frameshift variant. On other transcripts: non-coding transcript variant (2).
Genome position (GRCh38, 1-based): chr5:112,840,122, A deleted. VCF-style (leftmost placement, unchanged base first): chr5-112840121-GA-G. GRCh37 (hg19) VCF-style: chr5-112175818-GA-G.
Other names: c.4528del, p.Ser1510fs (NM_001127510.3, NM_001354895.2, NM_001407450.1); c.4474del, p.Ser1492fs (NM_001127511.3); c.4582del, p.Ser1528fs (NM_001354896.2, NM_001407447.1, NM_001407448.1 and 1 more transcripts); c.4558del, p.Ser1520fs (NM_001354897.2); c.4453del, p.Ser1485fs (NM_001354898.2); c.4444del, p.Ser1482fs (NM_001354899.2); c.4405del, p.Ser1469fs (NM_001354900.2); c.4351del, p.Ser1451fs (NM_001354901.2, NM_001407453.1); and 11 more; short protein forms S1126fs, S1227fs, S1350fs, S1381fs, S1384fs, S1409fs, S1419fs, S1427fs.
Identifiers: ClinVar variation 2584213 (VCV002584213.1), dbSNP rs2533580719, ClinGen allele CA2582341312.
Genomic context (GRCh38, chr5:112,840,121, plus strand): 5'-ACATTTTGCCACGGAAAGTACTCCAGATGGATTTTCTTGTTCATCCAGCCTGAGTGCTCT[GA>G]GCCTCGATGAGCCATTTATACAGAAAGATGTGGAATTAAGAATAATGCCTCCAGTTCAGG-3'